The following is an entry in ClinVar:

ClinVar aggregate classification (germline): Uncertain significance (1 of 4 stars; one submission).

Conditions:
Walker-Warburg congenital muscular dystrophy. Also called: Muscular dystrophy-dystroglycanopathy, type A; Walker-Warburg syndrome. Identifiers: Orphanet 899, MedGen C0265221, MONDO:0000171.

Allele frequency attached by ClinVar (database versions not stated): gnomAD exomes below 0.00001; TOPMed below 0.00001; gnomAD 0.00001.

Submission:

Labcorp Genetics (formerly Invitae), Labcorp
Classification: Uncertain significance for Walker-Warburg congenital muscular dystrophy. Last evaluated: 2022-05-27. Review status: criteria provided, single submitter. Criteria: Invitae Variant Classification Sherloc (09022015). Collection method: clinical testing. Allele origin: germline.
Comment: This sequence change replaces valine, which is neutral and non-polar, with alanine, which is neutral and non-polar, at codon 409 of the FKTN protein (p.Val409Ala). This variant is not present in population databases (gnomAD no frequency). This missense change has been observed in individual(s) with dilated cardiomyopathy (PMID: 31983221). Algorithms developed to predict the effect of missense changes on protein structure and function (SIFT, PolyPhen-2, Align-GVGD) all suggest that this variant is likely to be tolerated. In summary, the available evidence is currently insufficient to determine the role of this variant in disease. Therefore, it has been classified as a Variant of Uncertain Significance.

Literature cited by the submitters: PubMed 31983221.

NM_001079802.2(FKTN):c.1226T>C (p.Val409Ala)

Gene: FKTN (fukutin; plus strand). Cytogenetic location: 9q31.2.
Variant type: single nucleotide variant.
Coding change: c.1226T>C on transcript NM_001079802.2 (MANE Select); coding-DNA position 1226, T replaced by C.
Protein change: p.Val409Ala; replaces valine 409 with alanine.
Molecular consequence: missense variant. On other transcripts: 3 prime UTR variant (1), non-coding transcript variant (2).
Genome position (GRCh38, 1-based): chr9:105,635,104, T>C. VCF-style: chr9-105635104-T-C. GRCh37 (hg19) VCF-style: chr9-108397385-T-C.
Other names: c.1226T>C, p.Val409Ala (NM_001198963.2, NM_001351496.2, NM_006731.2); c.1157T>C, p.Val386Ala (NM_001351497.2); c.*18T>C (NM_001351498.2); c.830T>C, p.Val277Ala (NM_001351499.2, NM_001351500.2, NM_001351501.2 and 1 more transcripts); short protein forms V386A, V277A, V409A.
Identifiers: ClinVar variation 2158878 (VCV002158878.1), dbSNP rs1348045792, ClinGen allele CA374378122.
Genomic context (GRCh38, chr9:105,635,104, plus strand): 5'-GCTGCAGATACCTGTTTCCGAAGTTTACACTGTGCTGGACTGAGTTTGTAGACATGAAGG[T>C]CCATGTACCCTGTGAAACCCTCGAATACATTGAAGCCAACTATGGTAAGACCTGGAAGAT-3'
Protein context (NP_001073270.1, residues 399-419): LCWTEFVDMK[Val409Ala]HVPCETLEYI